The following is an entry in ClinVar:

NM_000180.4(GUCY2D):c.1956G>T (p.Lys652Asn)

Gene: GUCY2D (guanylate cyclase 2D, retinal; plus strand). Cytogenetic location: 17p13.1.
Variant type: single nucleotide variant.
Coding change: c.1956G>T on transcript NM_000180.4 (MANE Select); coding-DNA position 1956, G replaced by T.
Protein change: p.Lys652Asn; replaces lysine 652 with asparagine.
Molecular consequence: missense variant.
Genome position (GRCh38, 1-based): chr17:8,012,350, G>T. VCF-style: chr17-8012350-G-T. GRCh37 (hg19) VCF-style: chr17-7915668-G-T.
Other names: NC_000017.10:g.7915668G>T; short protein forms K652N.
Identifiers: ClinVar variation 4428893 (VCV004428893.2).
Genomic context (GRCh38, chr17:8,012,350, plus strand): 5'-TCAGAGAGAAATAAAGCTGGACTGGATGTTCAAGTCCTCCCTCCTGCTGGACCTTATCAA[G>T]GTGTGTGTCTGGGGGTGGTGGGGTGACGTCCTGGGGGCAGGGATGGGGAGCAAGGGAACC-3'
Protein context (NP_000171.1, residues 642-662): FKSSLLLDLI[Lys652Asn]GIRYLHHRGV

ClinVar aggregate classification (germline): Uncertain significance (1 of 4 stars; one submission).

Conditions:
Cone-rod dystrophy 6 (CORD6). Also called: RETINAL CONE DYSTROPHY 2; Cone dystrophy progressive. Identifiers: Orphanet 1872, MedGen C1866293, MONDO:0011143, OMIM 601777.
Leber congenital amaurosis 1 (LCA1). Also called: AMAUROSIS CONGENITA OF LEBER I; RETINAL BLINDNESS, CONGENITAL; Congenital absence of the rods and cones; Leber's congenital tapetoretinal degeneration; Leber's congenital tapetoretinal dysplasia. Identifiers: Orphanet 65, MedGen C2931258, MONDO:0008764, OMIM 204000.

Submissions (2):

Labcorp Genetics (formerly Invitae), Labcorp
Classification: Uncertain significance for Leber congenital amaurosis 1; Cone-rod dystrophy 6. Last evaluated: 2025-10-27. Review status: criteria provided, single submitter. Criteria: Invitae Variant Classification Sherloc (09022015). Collection method: clinical testing. Allele origin: germline.
Comment: This sequence change replaces lysine, which is basic and polar, with asparagine, which is neutral and polar, at codon 652 of the GUCY2D protein (p.Lys652Asn). This variant also falls at the last nucleotide of exon 9, which is part of the consensus splice site for this exon. This variant is not present in population databases (gnomAD no frequency). This variant has not been reported in the literature in individuals affected with GUCY2D-related conditions. An algorithm developed to predict the effect of missense changes on protein structure and function (PolyPhen-2) suggests that this variant is likely to be disruptive. Variants that disrupt the consensus splice site are a relatively common cause of aberrant splicing (PMID: 17576681, 9536098). Algorithms developed to predict the effect of sequence changes on RNA splicing suggest that this variant may disrupt the consensus splice site. In summary, the available evidence is currently insufficient to determine the role of this variant in disease. Therefore, it has been classified as a Variant of Uncertain Significance.

Dr. Peter K. Rogan Lab, Western University
No classification provided (evidence only). Condition: Familial cancer of breast. Review status: no classification provided. Collection method: in vitro. Allele origin: not applicable. Functional consequence: retained intron. Not counted in ClinVar's aggregate classification.

Literature cited by the submitters: PubMed 17576681 (cited by Labcorp Genetics (formerly Invitae), Labcorp); PubMed 9536098 (cited by Labcorp Genetics (formerly Invitae), Labcorp).